The following is an entry in ClinVar:

ClinVar aggregate classification (germline): Uncertain significance (1 of 4 stars; one submission).

gnomAD v4.1: 2 of 1,614,256 alleles (0.00012%); highest among the groups gnomAD compares: East Asian, 0.0022%; no homozygotes.

Submission:

Labcorp Genetics (formerly Invitae), Labcorp
Classification: Uncertain significance. Last evaluated: 2025-11-19. Review status: criteria provided, single submitter. Criteria: Invitae Variant Classification Sherloc (09022015). Collection method: clinical testing. Allele origin: germline.
Comment: This sequence change replaces valine, which is neutral and non-polar, with methionine, which is neutral and non-polar, at codon 172 of the ADCY10 protein (p.Val172Met). This variant is not present in population databases (gnomAD no frequency). This variant has not been reported in the literature in individuals affected with ADCY10-related conditions. An algorithm developed to predict the effect of missense changes on protein structure and function (PolyPhen-2) suggests that this variant is likely to be disruptive. In summary, the available evidence is currently insufficient to determine the role of this variant in disease. Therefore, it has been classified as a Variant of Uncertain Significance.

NM_018417.6(ADCY10):c.514G>A (p.Val172Met)

Genes: ADCY10 (adenylate cyclase 10; minus strand), DCAF6 (DDB1 and CUL4 associated factor 6; plus strand). Cytogenetic location: 1q24.2.
Variant type: single nucleotide variant.
Coding change: c.514G>A on transcript NM_018417.6 (MANE Select); coding-DNA position 514, G replaced by A.
Protein change: p.Val172Met; replaces valine 172 with methionine.
Molecular consequence: missense variant.
Genome position (GRCh38, 1-based): chr1:167,899,551, C>T on the plus strand (G>A on the coding strand, the complement: ADCY10 is on the minus strand). VCF-style: chr1-167899551-C-T. GRCh37 (hg19) VCF-style: chr1-167868789-C-T.
Other names: c.55G>A, p.Val19Met (NM_001167749.3); c.238G>A, p.Val80Met (NM_001297772.2); short protein forms V19M, V172M, V80M.
Identifiers: ClinVar variation 4769848 (VCV004769848.1).
Genomic context (GRCh38, chr1:167,899,551, plus strand): 5'-TTGGTGACAGAATAACATCATTCATCTGAGCCATGTTCTGGGCAAGGCGCACATCGTCCA[C>T]TGCCTGACCAATCACCAGAAAGTGGCTGTGTGTTTCATCTCCAAAGACCAACATGCTGAT-3'
Protein context (NP_060887.2, residues 162-182): HSHFLVIGQA[Val172Met]DDVRLAQNMA